The following is an entry in ClinVar:

ClinVar aggregate classification (germline): Benign/Likely benign. Review status: criteria provided, multiple submitters, no conflicts (2 of 4 stars). 4 submissions from 4 submitters: Benign (1); Likely benign (3). Last evaluated 2026-01-26.

Conditions:
Koolen-de Vries syndrome (KDVS). Identifiers: Orphanet 96169, MedGen C1864871, MONDO:0012496, OMIM 610443.

Allele frequency attached by ClinVar (database versions not stated): ESP Exome Variant Server 0.00008; TOPMed 0.00019.
gnomAD v4.1: 228 of 1,607,270 alleles (0.014%); highest among the groups gnomAD compares: Middle Eastern, 0.066%; 1 homozygote.

Submissions (4):

Labcorp Genetics (formerly Invitae), Labcorp
Classification: Likely benign for Koolen-de Vries syndrome. Last evaluated: 2026-01-26. Review status: criteria provided, single submitter. Criteria: Invitae Variant Classification Sherloc (09022015). Collection method: clinical testing. Allele origin: germline.

CeGaT Center for Human Genetics Tuebingen
Classification: Likely benign. Last evaluated: 2025-02-01. Review status: criteria provided, single submitter. Criteria: CeGaT Center For Human Genetics Tuebingen Variant Classification Criteria Version 2. Collection method: clinical testing. Allele origin: germline. Affected: yes. Observed: 4 variant alleles.
Comment: KANSL1: BP4, BP7

Blueprint Genetics
Classification: Likely benign. Last evaluated: 2023-08-16. Review status: criteria provided, single submitter. Criteria: ACMG Guidelines, 2015. Collection method: clinical testing. Allele origin: germline.

GeneDx
Classification: Benign. Last evaluated: 2014-12-29. Review status: criteria provided, single submitter. Criteria: GeneDx Variant Classification (06012015). Collection method: clinical testing. Allele origin: germline. Affected: yes.
Comment: This variant is considered likely benign or benign based on one or more of the following criteria: it is a conservative change, it occurs at a poorly conserved position in the protein, it is predicted to be benign by multiple in silico algorithms, and/or has population frequency not consistent with disease.

NM_015443.4(KANSL1):c.1857G>T (p.Arg619=)

Gene: KANSL1 (KAT8 regulatory NSL complex subunit 1). Cytogenetic location: 17q21.31.
Variant type: single nucleotide variant.
Coding change: c.1857G>T on transcript NM_015443.4 (MANE Select); coding-DNA position 1857, G replaced by T.
Protein change: p.Arg619=; no amino-acid change (arginine 619 retained).
Molecular consequence: synonymous variant.
Genome position (GRCh38, 1-based): chr17:46,050,696, C>A on the plus strand (G>T on the coding strand, the complement: KANSL1 is on the minus strand). VCF-style: chr17-46050696-C-A. GRCh37 (hg19) VCF-style: chr17-44128062-C-A.
Other names: p.R619R:CGG>CGT; c.1857G>T, p.Arg619= (NM_001193465.2, NM_001193466.2, NM_001379198.1).
Identifiers: ClinVar variation 205737 (VCV000205737.36), dbSNP rs191986791, ClinGen allele CA315103.
Genomic context (GRCh38, chr17:46,050,696, plus strand): 5'-GCCTGAACCACACAGTGCGCAGGAGGGATTCACATCACAGCCAGGGCGGATTGTGCTGTT[C>A]CGGTGAACCTGTGAAAAAAGCCAAACAAAACTGACAATTCAGCATCTGATAAAAAGCCAG-3'
Protein context (NP_056258.1, residues 609-629): SIVPLSKKVH[Arg619=]NSTIRPGCDV